The following is an entry in ClinVar:

NM_033026.6(PCLO):c.6556T>A (p.Ser2186Thr)

Gene: PCLO (piccolo presynaptic cytomatrix protein; minus strand). Cytogenetic location: 7q21.11.
Variant type: single nucleotide variant.
Coding change: c.6556T>A on transcript NM_033026.6 (MANE Select); coding-DNA position 6556, T replaced by A.
Protein change: p.Ser2186Thr; replaces serine 2186 with threonine.
Molecular consequence: missense variant.
Genome position (GRCh38, 1-based): chr7:82,954,397, A>T on the plus strand (T>A on the coding strand, the complement: PCLO is on the minus strand). VCF-style: chr7-82954397-A-T. GRCh37 (hg19) VCF-style: chr7-82583713-A-T.
Other names: c.6556T>A, p.Ser2186Thr (NM_014510.3); c.6556T>A (NM_033026.5); short protein forms S2186T.
Identifiers: ClinVar variation 1522003 (VCV001522003.7), dbSNP rs1258039438, ClinGen allele CA367919040.

ClinVar aggregate classification (germline): Uncertain significance. Review status: criteria provided, multiple submitters, no conflicts (2 of 4 stars). 2 submissions from 2 submitters: Uncertain significance (2). Last evaluated 2025-06-03.

Conditions:
Inborn genetic diseases. Identifiers: MedGen C0950123, MeSH D030342.

Allele frequency attached by ClinVar (database versions not stated): gnomAD exomes 0.00001; TOPMed 0.00001.
gnomAD v4.1: 12 of 1,613,920 alleles (0.00074%); highest among the groups gnomAD compares: Non-Finnish European, 0.00085%; no homozygotes.

Submissions (2):

Ambry Genetics
Classification: Uncertain significance for Inborn genetic diseases. Last evaluated: 2025-06-03. Review status: criteria provided, single submitter. Criteria: Ambry Variant Classification Scheme 2023. Collection method: clinical testing. Allele origin: germline.

Labcorp Genetics (formerly Invitae), Labcorp
Classification: Uncertain significance. Last evaluated: 2024-10-16. Review status: criteria provided, single submitter. Criteria: Invitae Variant Classification Sherloc (09022015). Collection method: clinical testing. Allele origin: germline.
Comment: This sequence change replaces serine, which is neutral and polar, with threonine, which is neutral and polar, at codon 2186 of the PCLO protein (p.Ser2186Thr). This variant is not present in population databases (gnomAD no frequency). This variant has not been reported in the literature in individuals affected with PCLO-related conditions. ClinVar contains an entry for this variant (Variation ID: 1522003). Experimental studies and prediction algorithms are not available or were not evaluated, and the functional significance of this variant is currently unknown. In summary, the available evidence is currently insufficient to determine the role of this variant in disease. Therefore, it has been classified as a Variant of Uncertain Significance.